The following is an entry in ClinVar:

ClinVar aggregate classification (germline): Uncertain significance. Review status: criteria provided, multiple submitters, no conflicts (2 of 4 stars). 2 submissions from 2 submitters: Uncertain significance (2). Last evaluated 2026-05-18.

Conditions:
Inborn genetic diseases. Identifiers: MedGen C0950123, MeSH D030342.

Submissions (2):

Ambry Genetics
Classification: Uncertain significance for Inborn genetic diseases. Last evaluated: 2026-05-18. Review status: criteria provided, single submitter. Criteria: Ambry Variant Classification Scheme 2023. Collection method: clinical testing. Allele origin: germline.
Comment: The c.937G>A (p.G313R) alteration is located in exon 1 (coding exon 1) of the LEMD3 gene. This alteration results from a G to A substitution at nucleotide position 937, causing the glycine (G) at amino acid position 313 to be replaced by an arginine (R). Based on data from gnomAD, the A allele has an overall frequency of <0.001% (1/250156) total alleles studied. The highest observed frequency was 0.003% (1/34556) of Latino alleles. Based on insufficient or conflicting evidence, the clinical significance of this alteration remains unclear.

Labcorp Genetics (formerly Invitae), Labcorp
Classification: Uncertain significance. Last evaluated: 2026-01-05. Review status: criteria provided, single submitter. Criteria: Invitae Variant Classification Sherloc (09022015). Collection method: clinical testing. Allele origin: germline.
Comment: This sequence change replaces glycine, which is neutral and non-polar, with arginine, which is basic and polar, at codon 313 of the LEMD3 protein (p.Gly313Arg). This variant is present in population databases (no rsID available, gnomAD 0.003%). This variant has not been reported in the literature in individuals affected with LEMD3-related conditions. Invitae Evidence Modeling of protein sequence and biophysical properties (such as structural, functional, and spatial information, amino acid conservation, physicochemical variation, residue mobility, and thermodynamic stability) indicates that this missense variant is not expected to disrupt LEMD3 protein function with a negative predictive value of 80%. In summary, the available evidence is currently insufficient to determine the role of this variant in disease. Therefore, it has been classified as a Variant of Uncertain Significance.

NM_014319.5(LEMD3):c.937G>A (p.Gly313Arg)

Gene: LEMD3 (LEM domain containing 3; plus strand). Cytogenetic location: 12q14.3.
Variant type: single nucleotide variant.
Coding change: c.937G>A on transcript NM_014319.5 (MANE Select); coding-DNA position 937, G replaced by A.
Protein change: p.Gly313Arg; replaces glycine 313 with arginine.
Molecular consequence: missense variant.
Genome position (GRCh38, 1-based): chr12:65,170,533, G>A. VCF-style: chr12-65170533-G-A. GRCh37 (hg19) VCF-style: chr12-65564313-G-A.
Other names: c.937G>A (NM_014319.4); c.937G>A, p.Gly313Arg (NM_001167614.2); short protein forms G313R.
Identifiers: ClinVar variation 4708549 (VCV004708549.2).